The following is an entry in ClinVar:

ClinVar aggregate classification (germline): Pathogenic. Review status: criteria provided, multiple submitters, no conflicts (2 of 4 stars). 3 submissions from 3 submitters: Pathogenic (2). 1 of the submissions does not count toward it. Last evaluated 2019-11-11.

Conditions:
Seizure. Also called: Seizures. Identifiers: MedGen C0036572, HP:0001250.
Developmental and epileptic encephalopathy, 57. Also called: EPILEPTIC ENCEPHALOPATHY, EARLY INFANTILE, 57. Identifiers: MedGen C4540411, MONDO:0033366, OMIM 617771.

Submissions (3):

Department of Medical Genetics, Hunan Provincial Maternal and Child Health Care Hospital
Classification: Pathogenic for Seizure. Last evaluated: 2019-11-11. Review status: criteria provided, single submitter. Criteria: ACMG Guidelines, 2015. Collection method: clinical testing. Allele origin: de novo. Inheritance: Sporadic. Affected: yes. Observed: 1 hemizygote.
Comment: This variant showed dominant negative effect in our vitro study

Neuberg Centre For Genomic Medicine, NCGM
Classification: Pathogenic for Developmental and epileptic encephalopathy, 57. Review status: criteria provided, single submitter. Criteria: ACMG Guidelines, 2015. Collection method: clinical testing. Allele origin: germline. Inheritance: Autosomal dominant inheritance. Affected: yes.
Comment: The observed frameshift variant c.143_144del (p.Leu48GlnfsTer43) in KCNT2 gene has been reported previously in individuals affected with KCNT2-related epileptic encephalopathy (Mao et al. 2020). In vitro electrophysiologic studies in hinese hamster ovarian (CHO) cells showed that heteromeric channels expressing the mutation resulted in decreased potassium currents by about 55% compared to controls; with a potential dominant-negative effect (Mao et al. 2020). The p.Leu48GlnfsTer43 variant is absent in gnomAD Exomes database. This variant has been submitted to the ClinVar database as Pathogenic. This variant causes a frameshift starting with codon Leucine 48, changes this amino acid to Glutamine residue, and creates a premature Stop codon at position 43 of the new reading frame, denoted p.Leu48GlnfsTer43. This variant is predicted to cause loss of normal protein function through protein truncation. Loss of function variants have been previously reported to be disease causing. For these reasons, this variant has been classified as Pathogenic.

OMIM
Classification: Pathogenic for DEVELOPMENTAL AND EPILEPTIC ENCEPHALOPATHY 57. Last evaluated: 2020-12-04. Review status: no assertion criteria provided. Collection method: literature only. Allele origin: germline. Not counted in ClinVar's aggregate classification.

Literature cited by the submitters: PubMed 32038177 (cited by OMIM).

NM_198503.5(KCNT2):c.143_144del (p.Leu48fs)

Gene: KCNT2 (potassium sodium-activated channel subfamily T member 2; minus strand). Cytogenetic location: 1q31.3.
Variant type: Deletion.
Coding change: c.143_144del on transcript NM_198503.5 (MANE Select); coding-DNA positions 143 to 144, 2 bases deleted (TA; older notation c.143_144delTA).
Protein change: p.Leu48fs; shifts the reading frame from leucine 48.
Molecular consequence: frameshift variant. On other transcripts: non-coding transcript variant (2).
Genome position (GRCh38, 1-based): chr1:196,492,293-196,492,294, TA deleted on the plus strand (TA on the coding strand, the reverse complement: KCNT2 is on the minus strand). VCF-style (leftmost placement, unchanged base first): chr1-196492292-TTA-T. GRCh37 (hg19) VCF-style: chr1-196461422-TTA-T.
Other names: c.143_144del, p.Leu48fs (NM_001287819.3, NM_001287820.3); short protein forms L48fs.
Identifiers: ClinVar variation 695094 (VCV000695094.4), dbSNP rs1572630269, ClinGen allele CA915941934.